The following is an entry in ClinVar:

ClinVar aggregate classification (germline): Pathogenic. Review status: criteria provided, single submitter (1 of 4 stars). 3 submissions from 3 submitters: Pathogenic (1). 2 of the submissions do not count toward it. Last evaluated 2025-03-28.

Conditions:
Charcot-Marie-Tooth disease. Also called: Charcot-Marie-Tooth Hereditary Neuropathy; Charcot-Marie-Tooth Neuropathy. Identifiers: Orphanet 166, MedGen C0007959, MONDO:0015626.
Charcot-Marie-Tooth disease type 4. Also called: Charcot-Marie-Tooth, Type 4; Charcot-Marie-Tooth disease, type IV. Identifiers: Orphanet 64749, MedGen C4082197, MONDO:0018995.
Charcot-Marie-Tooth disease type 4J (CMT4J). Also called: Charcot-Marie-Tooth Neuropathy Type 4J; CHARCOT-MARIE-TOOTH DISEASE, AUTOSOMAL RECESSIVE, TYPE 4J; CHARCOT-MARIE-TOOTH DISEASE, DEMYELINATING, TYPE 4J. Identifiers: Orphanet 139515, MedGen C1970011, MONDO:0012640, OMIM 611228.

Submissions (3):

Labcorp Genetics (formerly Invitae), Labcorp
Classification: Pathogenic for Charcot-Marie-Tooth disease type 4. Last evaluated: 2025-03-28. Review status: criteria provided, single submitter. Criteria: Invitae Variant Classification Sherloc (09022015). Collection method: clinical testing. Allele origin: germline.
Comment: This sequence change creates a premature translational stop signal (p.Lys383Asnfs*8) in the FIG4 gene. It is expected to result in an absent or disrupted protein product. Loss-of-function variants in FIG4 are known to be pathogenic (PMID: 23623387, 30740813). Information on the frequency of this variant in the gnomAD database is not available, as this variant may be reported differently in the database. This variant has not been reported in the literature in individuals affected with FIG4-related conditions. ClinVar contains an entry for this variant (Variation ID: 802256). For these reasons, this variant has been classified as Pathogenic.

Inherited Neuropathy Consortium Ii, University Of Miami
Classification: Uncertain significance for Charcot-Marie-Tooth disease type 4J. Last evaluated: 2016-01-06. Review status: no assertion criteria provided. Collection method: literature only. Allele origin: germline. Affected: yes. Not counted in ClinVar's aggregate classification.

Inherited Neuropathy Consortium
Classification: Uncertain significance for Charcot-Marie-Tooth disease. Review status: no assertion criteria provided. Collection method: literature only. Allele origin: germline. Affected: yes. Not counted in ClinVar's aggregate classification.

Literature cited by the submitters: PubMed 23623387 (cited by Labcorp Genetics (formerly Invitae), Labcorp); PubMed 30740813 (cited by Labcorp Genetics (formerly Invitae), Labcorp); PubMed 25614874 (cited by Inherited Neuropathy Consortium Ii, University Of Miami and Inherited Neuropathy Consortium).

NM_014845.6(FIG4):c.1149_1150delinsT (p.Lys383fs)

Gene: FIG4 (FIG4 phosphoinositide 5-phosphatase; plus strand). Cytogenetic location: 6q21.
Variant type: Indel.
Coding change: c.1149_1150delinsT on transcript NM_014845.6 (MANE Select); coding-DNA positions 1149 to 1150, AA replaced by T.
Protein change: p.Lys383fs; shifts the reading frame from lysine 383.
Molecular consequence: frameshift variant.
Genome position (GRCh38, 1-based): chr6:109,760,261-109,760,262, AA replaced by T. VCF-style: chr6-109760261-AA-T. GRCh37 (hg19) VCF-style: chr6-110081464-AA-T.
Other names: c.1149_1150delAAinsT (NM_014845.5); short protein forms K383fs.
Identifiers: ClinVar variation 637085 (VCV000637085.3), dbSNP rs1583695328, ClinGen allele CA915942766.
Genomic context (GRCh38, chr6:109,760,261, plus strand): 5'-TCTGATTTAAGGAAATTAGAACACTGAAAATGTTTAATTTTTGATAAAGGAACGAGAGAA[AA>T]GAAAGCATGAAAGAATTCTGAGTGAAGAACTTGTTGCTGCTGTGACCTATCTCAACCAAT-3'